The following is an entry in ClinVar:

ClinVar aggregate classification (germline): Uncertain significance. Review status: criteria provided, multiple submitters, no conflicts (2 of 4 stars). 3 submissions from 3 submitters: Uncertain significance (3). Last evaluated 2024-10-24.

Conditions:
Autosomal recessive Alport syndrome (ATS2). Also called: Alport syndrome type 2; ALPORT SYNDROME 2, AUTOSOMAL RECESSIVE; COL4A3-Related Nephropathy; COL4A4 Alport Syndrome and Thin Basement Membrane Nephropathy. Identifiers: Orphanet 63, Orphanet 88919, MedGen C4746745, MONDO:0008762, OMIM 203780.
Hematuria, benign familial, 1 (BFH1). Also called: THIN MEMBRANE NEPHROPATHY. Identifiers: MedGen CN376803, MONDO:0007709, OMIM 141200.

Allele frequency attached by ClinVar (database versions not stated): gnomAD exomes below 0.00001 and 0.00002; ExAC 0.00003.
gnomAD v4.1: 5 of 1,611,922 alleles (0.00031%); highest among the groups gnomAD compares: Non-Finnish European, 0.00034%; no homozygotes.

Submissions (3):

Labcorp Genetics (formerly Invitae), Labcorp
Classification: Uncertain significance. Last evaluated: 2024-10-24. Review status: criteria provided, single submitter. Criteria: Invitae Variant Classification Sherloc (09022015). Collection method: clinical testing. Allele origin: germline.
Comment: This sequence change falls in intron 7 of the COL4A4 gene. It does not directly change the encoded amino acid sequence of the COL4A4 protein. It affects a nucleotide within the consensus splice site. This variant is present in population databases (rs762040845, gnomAD 0.004%). This variant has been observed in individual(s) with clinical features of Alport syndrome (internal data). ClinVar contains an entry for this variant (Variation ID: 1486609). Variants that disrupt the consensus splice site are a relatively common cause of aberrant splicing (PMID: 17576681, 9536098). Algorithms developed to predict the effect of sequence changes on RNA splicing suggest that this variant may disrupt the consensus splice site. In summary, the available evidence is currently insufficient to determine the role of this variant in disease. Therefore, it has been classified as a Variant of Uncertain Significance.

Fulgent Genetics
Classification: Uncertain significance for Hematuria, benign familial, 1; Autosomal recessive Alport syndrome. Last evaluated: 2024-04-30. Review status: criteria provided, single submitter. Criteria: ACMG Guidelines, 2015. Collection method: clinical testing. Allele origin: germline.

Blueprint Genetics
Classification: Uncertain significance. Last evaluated: 2019-12-31. Review status: criteria provided, single submitter. Criteria: ACMG Guidelines, 2015. Collection method: clinical testing. Allele origin: germline.

Literature cited by the submitters: PubMed 17576681 (cited by Labcorp Genetics (formerly Invitae), Labcorp); PubMed 9536098 (cited by Labcorp Genetics (formerly Invitae), Labcorp).

NM_000092.5(COL4A4):c.490-3C>G

Gene: COL4A4 (collagen type IV alpha 4 chain; minus strand). Cytogenetic location: 2q36.3.
Variant type: single nucleotide variant.
Coding change: c.490-3C>G on transcript NM_000092.5 (MANE Select); 3 bases into the intron before coding-DNA position 490, C replaced by G.
Molecular consequence: intron variant.
Genome position (GRCh38, 1-based): chr2:227,114,699, G>C on the plus strand (C>G on the coding strand, the complement: COL4A4 is on the minus strand). VCF-style: chr2-227114699-G-C. GRCh37 (hg19) VCF-style: chr2-227979415-G-C.
Identifiers: ClinVar variation 1486609 (VCV001486609.7), dbSNP rs762040845, ClinGen allele CA2145640.